The following is an entry in ClinVar:

NM_002661.5(PLCG2):c.2355C>T (p.Ser785=)

Gene: PLCG2 (phospholipase C gamma 2; plus strand). Cytogenetic location: 16q23.3.
Variant type: single nucleotide variant.
Coding change: c.2355C>T on transcript NM_002661.5 (MANE Select); coding-DNA position 2355, C replaced by T.
Protein change: p.Ser785=; no amino-acid change (serine 785 retained).
Molecular consequence: synonymous variant.
Genome position (GRCh38, 1-based): chr16:81,923,532, C>T. VCF-style: chr16-81923532-C-T. GRCh37 (hg19) VCF-style: chr16-81957137-C-T.
Other names: p.Ser785=.
Identifiers: ClinVar variation 784715 (VCV000784715.39), dbSNP rs185307548, ClinGen allele CA8194232.

ClinVar aggregate classification (germline): Benign/Likely benign. Review status: criteria provided, multiple submitters, no conflicts (2 of 4 stars). 5 submissions from 5 submitters: Benign (3); Likely benign (2). Last evaluated 2025-12-20.

Conditions:
Familial cold autoinflammatory syndrome 3 (FCAS3). Also called: FAMILIAL ATYPICAL COLD URTICARIA; ANTIBODY DEFICIENCY AND IMMUNE DYSREGULATION, PLCG2-ASSOCIATED. Identifiers: Orphanet 300359, MedGen C3280914, MONDO:0013766, OMIM 614468.
Autoinflammation-PLCG2-associated antibody deficiency-immune dysregulation. Also called: Autoinflammation, antibody deficiency, and immune dysregulation, plcg2-associated; Autoinflammation, antibody deficiency, and immune dysregulation syndrome; AUTOINFLAMMATION, ANTIBODY DEFICIENCY, AND IMMUNE DYSREGULATION. Identifiers: Orphanet 324530, MedGen C3553961, MONDO:0013944, OMIM 614878.

Allele frequency attached by ClinVar (database versions not stated): ESP Exome Variant Server 0.00033; TOPMed 0.00034; 1000 Genomes Project 30x 0.00109; 1000 Genomes Project 0.00140; gnomAD 0.00299 and 0.00307; ExAC 0.00312; gnomAD exomes 0.00347.
gnomAD v4.1: 2,751 of 1,613,736 alleles (0.17%); highest among the groups gnomAD compares: Non-Finnish European, 0.049%; 43 homozygotes.

Submissions (6):

Labcorp Genetics (formerly Invitae), Labcorp
Classification: Benign for Familial cold autoinflammatory syndrome 3. Last evaluated: 2025-12-20. Review status: criteria provided, single submitter. Criteria: Invitae Variant Classification Sherloc (09022015). Collection method: clinical testing. Allele origin: germline.

Blueprint Genetics
Classification: Likely benign. Last evaluated: 2024-11-18. Review status: criteria provided, single submitter. Criteria: ACMG Guidelines, 2015. Collection method: clinical testing. Allele origin: germline.

CeGaT Center for Human Genetics Tuebingen
Classification: Benign. Last evaluated: 2022-10-01. Review status: criteria provided, single submitter. Criteria: CeGaT Center For Human Genetics Tuebingen Variant Classification Criteria Version 2. Collection method: clinical testing. Allele origin: germline. Affected: yes. Observed: 1 variant allele.
Comment: PLCG2: BS1, BS2

Fulgent Genetics
Classification: Likely benign for Familial cold autoinflammatory syndrome 3; Autoinflammation-PLCG2-associated antibody deficiency-immune dysregulation. Last evaluated: 2021-12-15. Review status: criteria provided, single submitter. Criteria: ACMG Guidelines, 2015. Collection method: clinical testing. Allele origin: unknown.

Mayo Clinic Laboratories, Mayo Clinic
Classification: Benign. Last evaluated: 2021-08-10. Review status: criteria provided, single submitter. Criteria: ACMG Guidelines, 2015. Collection method: clinical testing. Allele origin: germline. Observed: 3 variant alleles.
Comment: BS1, BS2, BP4, BP7

Dr. Peter K. Rogan Lab, Western University
No classification provided (evidence only). Condition: Gastric cancer. Review status: no classification provided. Collection method: in vitro. Allele origin: not applicable. Functional consequence: retained intron. Not counted in ClinVar's aggregate classification.